The following is an entry in ClinVar:

ClinVar aggregate classification (germline): Likely benign. Review status: criteria provided, multiple submitters, no conflicts (2 of 4 stars). 2 submissions from 2 submitters: Likely benign (2). Last evaluated 2020-01-17.

Conditions:
Cardiovascular phenotype. Identifiers: MedGen CN230736.

Allele frequency attached by ClinVar (database versions not stated): gnomAD exomes below 0.00001.
gnomAD v4.1: 5 of 1,612,248 alleles (0.00031%); highest among the groups gnomAD compares: Non-Finnish European, 0.00042%; no homozygotes.

Submissions (2):

Ambry Genetics
Classification: Likely benign for Cardiovascular phenotype. Last evaluated: 2020-01-17. Review status: criteria provided, single submitter. Criteria: Ambry Variant Classification Scheme 2023. Collection method: clinical testing. Allele origin: germline.

Laboratory for Molecular Medicine, Mass General Brigham Personalized Medicine
Classification: Likely benign. Last evaluated: 2016-03-28. Review status: criteria provided, single submitter. Criteria: LMM Criteria. Collection method: clinical testing. Allele origin: germline. Observed: 1 variant allele.
Comment: p.Glu1123Glu in exon 26 of MYH6: This variant is not expected to have clinical s ignificance because it does not alter an amino acid residue and is not located w ithin the splice consensus sequence.

NM_002471.4(MYH6):c.3369G>A (p.Glu1123=)

Gene: MYH6 (myosin heavy chain 6; minus strand). Cytogenetic location: 14q11.2.
Variant type: single nucleotide variant.
Coding change: c.3369G>A on transcript NM_002471.4 (MANE Select); coding-DNA position 3369, G replaced by A.
Protein change: p.Glu1123=; no amino-acid change (glutamic acid 1123 retained).
Molecular consequence: synonymous variant.
Genome position (GRCh38, 1-based): chr14:23,390,420, C>T on the plus strand (G>A on the coding strand, the complement: MYH6 is on the minus strand). VCF-style: chr14-23390420-C-T. GRCh37 (hg19) VCF-style: chr14-23859629-C-T.
Identifiers: ClinVar variation 227588 (VCV000227588.6), dbSNP rs876657517, ClinGen allele CA10576946.
Genomic context (GRCh38, chr14:23,390,420, plus strand): 5'-CCGAGACAGGTCTGAGCGCAGCTTCTCCACCTTAGCCCTGGCGGTGCGCTCGGCCTCCAG[C>T]TCCTCCTCCAGCTCCTCGATGCGTGCCTGGGTCAGACACAAAGGGCTCAGACCCACCGCC-3'
Protein context (NP_002462.2, residues 1113-1133): NQARIEELEE[Glu1123=]LEAERTARAK